The following is an entry in ClinVar:

NM_001267550.2(TTN):c.11311+1284G>A

Gene: TTN (titin; minus strand). Cytogenetic location: 2q31.2.
Variant type: single nucleotide variant.
Coding change: c.11311+1284G>A on transcript NM_001267550.2 (MANE Select); 1284 bases into the intron after coding-DNA position 11311, G replaced by A.
Molecular consequence: intron variant. On other transcripts: synonymous variant (1).
Genome position (GRCh38, 1-based): chr2:178,751,840, C>T on the plus strand (G>A on the coding strand, the complement: TTN is on the minus strand). VCF-style: chr2-178751840-C-T. GRCh37 (hg19) VCF-style: chr2-179616567-C-T.
Other names: c.10560G>A, p.Pro3520= (NM_133379.5); c.10222+1284G>A (NM_003319.4); c.10798+1284G>A (NM_133437.4); c.10597+1284G>A (NM_133432.3); c.10360+1284G>A (NM_133378.4, NM_001256850.1).
Identifiers: ClinVar variation 2651709 (VCV002651709.26), dbSNP rs769569050, ClinGen allele CA2003883.

ClinVar aggregate classification (germline): Likely benign. Review status: criteria provided, multiple submitters, no conflicts (2 of 4 stars). 3 submissions from 3 submitters: Likely benign (3). Last evaluated 2025-07-15.

Conditions:
TTN-related disorder. Also called: TTN-related condition; TTN-related disease; TTN-related disorders.

Allele frequency attached by ClinVar (database versions not stated): gnomAD 0.00005.
gnomAD v4.1: 105 of 1,612,750 alleles (0.0065%); highest among the groups gnomAD compares: South Asian, 0.014%; no homozygotes.

Submissions (3):

PreventionGenetics, part of Exact Sciences
Classification: Likely benign for TTN-related condition. Last evaluated: 2025-07-15. Review status: criteria provided, single submitter. Criteria: ACMG Guidelines, 2015. Collection method: clinical testing. Allele origin: germline.
Comment: This variant is classified as likely benign based on ACMG/AMP sequence variant interpretation guidelines (Richards et al. 2015 PMID: 25741868, with internal and published modifications).

Blueprint Genetics
Classification: Likely benign. Last evaluated: 2024-11-20. Review status: criteria provided, single submitter. Criteria: ACMG Guidelines, 2015. Collection method: clinical testing. Allele origin: germline.

CeGaT Center for Human Genetics Tuebingen
Classification: Likely benign. Last evaluated: 2024-03-01. Review status: criteria provided, single submitter. Criteria: CeGaT Center For Human Genetics Tuebingen Variant Classification Criteria Version 2. Collection method: clinical testing. Allele origin: germline. Affected: yes. Observed: 1 variant allele.
Comment: TTN: BP4, BP7